The following is an entry in ClinVar:

ClinVar aggregate classification (germline): Uncertain significance (0 of 4 stars; one submission).

Conditions:
HUWE1-related disorder. Also called: HUWE1-related condition.

Submission:

PreventionGenetics, part of Exact Sciences
Classification: Uncertain significance for HUWE1-related condition. Last evaluated: 2024-01-08. Review status: no assertion criteria provided. Collection method: clinical testing. Allele origin: germline.
Comment: The HUWE1 c.8807C>G variant is predicted to result in the amino acid substitution p.Ser2936Cys. To our knowledge, this variant has not been reported in the literature or in a large population database, indicating this variant is rare. At this time, the clinical significance of this variant is uncertain due to the absence of conclusive functional and genetic evidence.

NM_031407.7(HUWE1):c.8807C>G (p.Ser2936Cys)

Gene: HUWE1 (HECT, UBA and WWE domain containing E3 ubiquitin protein ligase 1; minus strand). Cytogenetic location: Xp11.22.
Variant type: single nucleotide variant.
Coding change: c.8807C>G on transcript NM_031407.7 (MANE Select); coding-DNA position 8807, C replaced by G.
Protein change: p.Ser2936Cys; replaces serine 2936 with cysteine.
Molecular consequence: missense variant.
Genome position (GRCh38, 1-based): chrX:53,552,385, G>C on the plus strand (C>G on the coding strand, the complement: HUWE1 is on the minus strand). VCF-style: chrX-53552385-G-C. GRCh37 (hg19) VCF-style: chrX-53579346-G-C.
Other names: short protein forms S2936C.
Identifiers: ClinVar variation 3030983 (VCV003030983.2), dbSNP rs2523405188, ClinGen allele CA413144947.